The following is an entry in ClinVar:

ClinVar aggregate classification (germline): Uncertain significance (1 of 4 stars; one submission).

Conditions:
Inborn genetic diseases. Identifiers: MedGen C0950123, MeSH D030342.

Submission:

Ambry Genetics
Classification: Uncertain significance for Inborn genetic diseases. Last evaluated: 2022-10-20. Review status: criteria provided, single submitter. Criteria: Ambry Variant Classification Scheme 2023. Collection method: clinical testing. Allele origin: germline.
Comment: The p.H510Q variant (also known as c.1530C>A), located in coding exon 8 of the PIK3CA gene, results from a C to A substitution at nucleotide position 1530. The histidine at codon 510 is replaced by glutamine, an amino acid with highly similar properties. This amino acid position is conserved. In addition, this alteration is predicted to be tolerated by in silico analysis. Since supporting evidence is limited at this time, the clinical significance of this alteration remains unclear.

NM_006218.4(PIK3CA):c.1530C>A (p.His510Gln)

Gene: PIK3CA (phosphatidylinositol-4,5-bisphosphate 3-kinase catalytic subunit alpha; plus strand). Cytogenetic location: 3q26.32.
Variant type: single nucleotide variant.
Coding change: c.1530C>A on transcript NM_006218.4 (MANE Select); coding-DNA position 1530, C replaced by A.
Protein change: p.His510Gln; replaces histidine 510 with glutamine.
Molecular consequence: missense variant.
Genome position (GRCh38, 1-based): chr3:179,210,556, C>A. VCF-style: chr3-179210556-C-A. GRCh37 (hg19) VCF-style: chr3-178928344-C-A.
Other names: short protein forms H510Q.
Identifiers: ClinVar variation 1774610 (VCV001774610.2), dbSNP rs200934230, ClinGen allele CA355262854.
Genomic context (GRCh38, chr3:179,210,556, plus strand): 5'-AGTGATTGAAGAGCATGCCAATTGGTCTGTATCCCGAGAAGCAGGATTTAGCTATTCCCA[C>A]GCAGGACTGGTAAGGCAAATCACTGAGTTTATTAAGTATCAATTATAATCTGTGGATTTA-3'
Protein context (NP_006209.2, residues 500-520): VSREAGFSYS[His510Gln]AGLSNRLARD